The following is an entry in ClinVar:

NM_015662.3(IFT172):c.4977G>A (p.Glu1659=)

Genes: KRTCAP3 (keratinocyte associated protein 3; plus strand), IFT172 (intraflagellar transport 172; minus strand). Cytogenetic location: 2p23.3.
Variant type: single nucleotide variant.
Coding change: c.4977G>A on transcript NM_015662.3 (MANE Select); coding-DNA position 4977, G replaced by A.
Protein change: p.Glu1659=; no amino-acid change (glutamic acid 1659 retained).
Molecular consequence: synonymous variant. On other transcripts: intron variant (1).
Genome position (GRCh38, 1-based): chr2:27,445,387, C>T on the plus strand (G>A on the coding strand, the complement: IFT172 is on the minus strand). VCF-style: chr2-27445387-C-T. GRCh37 (hg19) VCF-style: chr2-27668254-C-T.
Other names: c.4911G>A, p.Glu1637= (NM_001410739.1); c.*6-914C>T (NM_001168364.2).
Identifiers: ClinVar variation 3344626 (VCV003344626.1).
Genomic context (GRCh38, chr2:27,445,387, plus strand): 5'-AGTGCTCGCTGCCACTAGGGAGGCCTCGTAGGCGCCACGCTCATCCCGAGGCAGAACCTG[C>T]TCCAGCCGCTGGTCCATGGAGACTGTAAGCACCCAGTCTCGAACCTCTTCTCTCTCAGCC-3'
Protein context (NP_056477.1, residues 1649-1669): VLTVSMDQRL[Glu1659=]QVLPRDERGA

ClinVar aggregate classification (germline): Likely benign (0 of 4 stars; one submission).

Conditions:
IFT172-related disorder. Also called: IFT172-related condition; IFT172-related disorders.

gnomAD v4.1: 1 of 1,612,584 alleles (0.000062%); highest among the groups gnomAD compares: African/African-American, 0.0013%; no homozygotes.

Submission:

PreventionGenetics, part of Exact Sciences
Classification: Likely benign for IFT172-related condition. Last evaluated: 2024-07-30. Review status: no assertion criteria provided. Collection method: clinical testing. Allele origin: germline.
Comment: This variant is classified as likely benign based on ACMG/AMP sequence variant interpretation guidelines (Richards et al. 2015 PMID: 25741868, with internal and published modifications).